The following is an entry in ClinVar:

NM_153717.3(EVC):c.1037dup (p.Thr347fs)

Gene: EVC (EvC ciliary complex subunit 1; plus strand). Cytogenetic location: 4p16.2.
Variant type: Duplication.
Coding change: c.1037dup on transcript NM_153717.3 (MANE Select); coding-DNA position 1037, one base duplicated (T; older notation c.1037dupT).
Protein change: p.Thr347fs; shifts the reading frame from threonine 347.
Molecular consequence: frameshift variant.
Genome position (GRCh38, 1-based): chr4:5,748,245, T duplicated. VCF-style (leftmost placement, unchanged base first): chr4-5748244-C-CT. GRCh37 (hg19) VCF-style: chr4-5749971-C-CT.
Other names: c.1037dup, p.Thr347fs (NM_001306090.2, NM_001306092.2); short protein forms T347fs.
Identifiers: ClinVar variation 5013850 (VCV005013850.1).

ClinVar aggregate classification (germline): Pathogenic (1 of 4 stars; one submission).

Conditions:
Ellis-van Creveld syndrome (EVC). Also called: MESOECTODERMAL DYSPLASIA; Chondroectodermal dysplasia. Identifiers: Orphanet 289, MedGen C0013903, MONDO:0009162, OMIM 225500.

Submission:

Myriad Genetics, Inc.
Classification: Pathogenic for Ellis-van Creveld syndrome. Last evaluated: 2024-12-13. Review status: criteria provided, single submitter. Criteria: Myriad Autosomal Dominant, Autosomal Recessive and X-Linked Classification Criteria (2023). Collection method: clinical testing. Allele origin: unknown.
Comment: NM_153717.2(EVC):c.1037dupT(T347Dfs*37) is expected to be pathogenic in the context of EVC-related Ellis-van Creveld syndrome. This variant is predicted to lead to an abnormal or absent protein product due to the creation of a premature termination codon in EVC, a gene where loss-of-function variants are known to be pathogenic. Please note: this variant was assessed in the context of healthy population screening.